The following is an entry in ClinVar:

NM_007110.5(TEP1):c.921C>A (p.Asn307Lys)

Gene: TEP1 (telomerase associated protein 1; minus strand). Cytogenetic location: 14q11.2.
Variant type: single nucleotide variant.
Coding change: c.921C>A on transcript NM_007110.5 (MANE Select); coding-DNA position 921, C replaced by A.
Protein change: p.Asn307Lys; replaces asparagine 307 with lysine.
Molecular consequence: missense variant. On other transcripts: intron variant (1).
Genome position (GRCh38, 1-based): chr14:20,404,722, G>T on the plus strand (C>A on the coding strand, the complement: TEP1 is on the minus strand). VCF-style: chr14-20404722-G-T. GRCh37 (hg19) VCF-style: chr14-20872881-G-T.
Other names: c.870+729C>A (NM_001319035.2); short protein forms N307K.
Identifiers: ClinVar variation 1232904 (VCV001232904.4), dbSNP rs1760898, ClinGen allele CA7080569.

ClinVar aggregate classification (germline): Benign. Review status: criteria provided, multiple submitters, no conflicts (2 of 4 stars). 2 submissions from 2 submitters: Benign (2). Last evaluated 2020-07-15.

Allele frequency attached by ClinVar (database versions not stated): gnomAD exomes 0.28605; ExAC 0.28715; ESP Exome Variant Server 0.29632; gnomAD 0.30935 and 0.30949; TOPMed 0.31985; 1000 Genomes Project 0.36482; 1000 Genomes Project 30x 0.36508.
gnomAD v4.1: 405,259 of 1,613,300 alleles (25%); highest among the groups gnomAD compares: African/African-American, 47%; 54,837 homozygotes.

Submissions (2):

GeneDx
Classification: Benign. Last evaluated: 2020-07-15. Review status: criteria provided, single submitter. Criteria: GeneDx Variant Classification Process June 2021. Collection method: clinical testing. Allele origin: germline. Affected: yes.
Comment: This variant is associated with the following publications: (PMID: 23907815)

Breakthrough Genomics
Classification: Benign. Review status: criteria provided, single submitter. Criteria: ACMG Guidelines, 2015. Collection method: not provided. Allele origin: germline. Inheritance: Unknown mechanism. Affected: yes.